The following is an entry in ClinVar:

ClinVar aggregate classification (germline): Uncertain significance. Review status: criteria provided, multiple submitters, no conflicts (2 of 4 stars). 2 submissions from 2 submitters: Uncertain significance (2). Last evaluated 2022-01-12.

Conditions:
Cardiovascular phenotype. Identifiers: MedGen CN230736.
Cutis laxa, autosomal recessive, type 1B (ARCL1B). Also called: CUTIS LAXA, AUTOSOMAL RECESSIVE, TYPE IB; EFEMP2-Related Cutis Laxa. Identifiers: Orphanet 90349, MedGen C3280798, MONDO:0013754, OMIM 614437. Disease mechanism: loss of function.

Submissions (2):

Labcorp Genetics (formerly Invitae), Labcorp
Classification: Uncertain significance for Cutis laxa, autosomal recessive, type 1B. Last evaluated: 2022-01-12. Review status: criteria provided, single submitter. Criteria: Invitae Variant Classification Sherloc (09022015). Collection method: clinical testing. Allele origin: germline.
Comment: This variant, c.1180_1182del, results in the deletion of 1 amino acid(s) of the EFEMP2 protein (p.Asn394del), but otherwise preserves the integrity of the reading frame. This variant is present in population databases (rs767042101, gnomAD 0.002%). This variant has not been reported in the literature in individuals affected with EFEMP2-related conditions. Experimental studies and prediction algorithms are not available or were not evaluated, and the functional significance of this variant is currently unknown. Algorithms developed to predict the effect of sequence changes on RNA splicing suggest that this variant may create or strengthen a splice site. In summary, the available evidence is currently insufficient to determine the role of this variant in disease. Therefore, it has been classified as a Variant of Uncertain Significance.

Ambry Genetics
Classification: Uncertain significance for Cardiovascular phenotype. Last evaluated: 2020-12-30. Review status: criteria provided, single submitter. Criteria: Ambry Variant Classification Scheme 2023. Collection method: clinical testing. Allele origin: germline.
Comment: The c.1180_1182delAAC variant (also known as p.N394del) is located in coding exon 10 of the EFEMP2 gene. This variant results from an in-frame AAC deletion at nucleotide positions 1180 to 1182. This results in the in-frame deletion of an asparagine at codon 394. This amino acid position is highly conserved in available vertebrate species. In addition, this alteration is predicted to be deleterious by in silico analysis (Choi Y et al. PLoS ONE. 2012; 7(10):e46688). Since supporting evidence is limited at this time, the clinical significance of this alteration remains unclear.

NM_016938.5(EFEMP2):c.1177AAC[1] (p.Asn394del)

Genes: EFEMP2 (EGF-like fibulin extracellular matrix protein 2; minus strand), MUS81 (MUS81 structure-specific endonuclease subunit; plus strand). Cytogenetic location: 11q13.1.
Variant type: Microsatellite.
Coding change: c.1177AAC[1] on transcript NM_016938.5 (MANE Select); one copy of the 3-base unit AAC starting at c.1177; the reference has two copies in a row; one copy, 3 bases deleted.
Protein change: p.Asn394del; deletes asparagine 394.
Molecular consequence: inframe deletion. On other transcripts: non-coding transcript variant (1).
Genome position (GRCh38, 1-based): chr11:65,867,068-65,867,070, GTT deleted on the plus strand (AAC on the coding strand, the reverse complement: EFEMP2 is on the minus strand); deleting any 3 consecutive bases within chr11:65,867,068-65,867,074 gives the same sequence; the position shown is the placement nearest the transcript's 3' end. VCF-style (leftmost placement, unchanged base first): chr11-65867067-CGTT-C. GRCh37 (hg19) VCF-style: chr11-65634538-CGTT-C.
Other names: short protein forms N394del.
Identifiers: ClinVar variation 1741990 (VCV001741990.4), dbSNP rs767042101, ClinGen allele CA6110376.